The following is an entry in ClinVar:

ClinVar aggregate classification (germline): Uncertain significance (1 of 4 stars; one submission).

Conditions:
Myasthenic syndrome, congenital, 22 (CMS22). Also called: PREPL DEFICIENCY. Identifiers: MedGen C4479088, MONDO:0044299, OMIM 616224.

Allele frequency attached by ClinVar (database versions not stated): gnomAD exomes below 0.00001; ExAC 0.00002; gnomAD 0.00005; TOPMed 0.00005; ESP Exome Variant Server 0.00015.
gnomAD v4.1: 9 of 1,613,942 alleles (0.00056%); highest among the groups gnomAD compares: African/African-American, 0.012%; no homozygotes.

Submission:

Labcorp Genetics (formerly Invitae), Labcorp
Classification: Uncertain significance for Myasthenic syndrome, congenital, 22. Last evaluated: 2025-06-12. Review status: criteria provided, single submitter. Criteria: Invitae Variant Classification Sherloc (09022015). Collection method: clinical testing. Allele origin: germline.
Comment: This sequence change replaces aspartic acid, which is acidic and polar, with asparagine, which is neutral and polar, at codon 281 of the PREPL protein (p.Asp281Asn). This variant is present in population databases (rs138883289, gnomAD 0.008%). This variant has not been reported in the literature in individuals affected with PREPL-related conditions. ClinVar contains an entry for this variant (Variation ID: 2143741). Invitae Evidence Modeling of protein sequence and biophysical properties (such as structural, functional, and spatial information, amino acid conservation, physicochemical variation, residue mobility, and thermodynamic stability) indicates that this missense variant is not expected to disrupt PREPL protein function with a negative predictive value of 80%. In summary, the available evidence is currently insufficient to determine the role of this variant in disease. Therefore, it has been classified as a Variant of Uncertain Significance.

NM_001171613.2(PREPL):c.574G>A (p.Asp192Asn)

Gene: PREPL (prolyl endopeptidase like; minus strand). Cytogenetic location: 2p21.
Variant type: single nucleotide variant.
Coding change: c.574G>A on transcript NM_001171613.2 (MANE Select); coding-DNA position 574, G replaced by A.
Protein change: p.Asp192Asn; replaces aspartic acid 192 with asparagine.
Molecular consequence: missense variant.
Genome position (GRCh38, 1-based): chr2:44,339,275, C>T on the plus strand (G>A on the coding strand, the complement: PREPL is on the minus strand). VCF-style: chr2-44339275-C-T. GRCh37 (hg19) VCF-style: chr2-44566414-C-T.
Other names: c.841G>A, p.Asp281Asn (NM_001042385.2, NM_001042386.2, NM_001171603.1 and 4 more transcripts); c.574G>A, p.Asp192Asn (NM_001171617.1, NM_001374277.1); short protein forms D192N, D281N.
Identifiers: ClinVar variation 2143741 (VCV002143741.3), dbSNP rs138883289, ClinGen allele CA1641418.